The following is an entry in ClinVar:

NM_000161.3(GCH1):c.453+6G>T

Gene: GCH1 (GTP cyclohydrolase 1; minus strand). Cytogenetic location: 14q22.2.
Variant type: single nucleotide variant.
Coding change: c.453+6G>T on transcript NM_000161.3 (MANE Select); 6 bases into the intron after coding-DNA position 453, G replaced by T.
Molecular consequence: intron variant.
Genome position (GRCh38, 1-based): chr14:54,865,321, C>A on the plus strand (G>T on the coding strand, the complement: GCH1 is on the minus strand). VCF-style: chr14-54865321-C-A. GRCh37 (hg19) VCF-style: chr14-55332039-C-A.
Other names: c.453+6G>T (NM_001024071.2, NM_001024070.2, NM_001024024.2).
Identifiers: ClinVar variation 2137591 (VCV002137591.4), dbSNP rs766668821, ClinGen allele CA2138227941.

ClinVar aggregate classification (germline): Uncertain significance (1 of 4 stars; one submission).

Conditions:
Dystonia 5 (DRD). Also called: GTP Cyclohydrolase 1-Deficient Dopa-Responsive Dystonia; Dystonia, DOPA-responsive, with or without hyperphenylalaninemia; DYT-GCH1; DYSTONIA, PROGRESSIVE, WITH DIURNAL VARIATION; DYSTONIA-PARKINSONISM WITH DIURNAL FLUCTUATION. Identifiers: Orphanet 98808, MedGen C1851920, MONDO:0007495, OMIM 128230.
GTP cyclohydrolase I deficiency. Identifiers: MedGen C0268467, MONDO:0100184.

Submission:

Labcorp Genetics (formerly Invitae), Labcorp
Classification: Uncertain significance for GTP cyclohydrolase I deficiency; Dystonia 5. Last evaluated: 2024-10-16. Review status: criteria provided, single submitter. Criteria: Invitae Variant Classification Sherloc (09022015). Collection method: clinical testing. Allele origin: germline.
Comment: This sequence change falls in intron 2 of the GCH1 gene. It does not directly change the encoded amino acid sequence of the GCH1 protein. It affects a nucleotide within the consensus splice site. This variant is not present in population databases (gnomAD no frequency). This variant has been observed in individual(s) with dystonia (PMID: 23211702). ClinVar contains an entry for this variant (Variation ID: 2137591). Variants that disrupt the consensus splice site are a relatively common cause of aberrant splicing (PMID: 17576681, 9536098). Algorithms developed to predict the effect of sequence changes on RNA splicing suggest that this variant is not likely to affect RNA splicing. In summary, the available evidence is currently insufficient to determine the role of this variant in disease. Therefore, it has been classified as a Variant of Uncertain Significance.

Literature cited by the submitters: PubMed 23211702; PubMed 17576681; PubMed 9536098.